The following is an entry in ClinVar:

ClinVar aggregate classification (germline): Uncertain significance. Review status: criteria provided, multiple submitters, no conflicts (2 of 4 stars). 2 submissions from 2 submitters: Uncertain significance (2). Last evaluated 2023-07-17.

Conditions:
Hereditary cancer-predisposing syndrome. Also called: Tumor predisposition; Hereditary neoplastic syndrome; Neoplastic Syndromes, Hereditary; Hereditary Cancer Syndrome. Identifiers: Orphanet 140162, MedGen C0027672, MeSH D009386, MONDO:0015356.
Gastrointestinal stromal tumor. Also called: Gastrointestinal stroma tumor; Gastrointestinal stromal tumor, somatic. Identifiers: Orphanet 44890, MedGen C0238198, MeSH D046152, MONDO:0011719, OMIM 606764, HP:0100723.

Submissions (2):

Labcorp Genetics (formerly Invitae), Labcorp
Classification: Uncertain significance for Gastrointestinal stromal tumor. Last evaluated: 2023-07-17. Review status: criteria provided, single submitter. Criteria: Invitae Variant Classification Sherloc (09022015). Collection method: clinical testing. Allele origin: germline.
Comment: In summary, the available evidence is currently insufficient to determine the role of this variant in disease. Therefore, it has been classified as a Variant of Uncertain Significance. Advanced modeling of protein sequence and biophysical properties (such as structural, functional, and spatial information, amino acid conservation, physicochemical variation, residue mobility, and thermodynamic stability) performed at Invitae indicates that this missense variant is not expected to disrupt PDGFRA protein function. ClinVar contains an entry for this variant (Variation ID: 459058). This variant has not been reported in the literature in individuals affected with PDGFRA-related conditions. This variant is not present in population databases (gnomAD no frequency). This sequence change replaces arginine, which is basic and polar, with glycine, which is neutral and non-polar, at codon 817 of the PDGFRA protein (p.Arg817Gly).

Ambry Genetics
Classification: Uncertain significance for Hereditary cancer-predisposing syndrome. Last evaluated: 2022-05-25. Review status: criteria provided, single submitter. Criteria: Ambry Variant Classification Scheme 2023. Collection method: clinical testing. Allele origin: germline.
Comment: The p.R817G variant (also known as c.2449C>G), located in coding exon 17 of the PDGFRA gene, results from a C to G substitution at nucleotide position 2449. The arginine at codon 817 is replaced by glycine, an amino acid with dissimilar properties. This amino acid position is conserved. In addition, this alteration is predicted to be deleterious by in silico analysis. Since supporting evidence is limited at this time, the clinical significance of this alteration remains unclear.

NM_006206.6(PDGFRA):c.2449C>G (p.Arg817Gly)

Gene: PDGFRA (platelet derived growth factor receptor alpha; plus strand). Cytogenetic location: 4q12.
Variant type: single nucleotide variant.
Coding change: c.2449C>G on transcript NM_006206.6 (MANE Select); coding-DNA position 2449, C replaced by G.
Protein change: p.Arg817Gly; replaces arginine 817 with glycine.
Molecular consequence: missense variant.
Genome position (GRCh38, 1-based): chr4:54,285,850, C>G. VCF-style: chr4-54285850-C-G. GRCh37 (hg19) VCF-style: chr4-55152017-C-G.
Other names: c.2524C>G, p.Arg842Gly (NM_001347828.2); c.2449C>G, p.Arg817Gly (NM_001347829.2); c.2488C>G, p.Arg830Gly (NM_001347830.2); short protein forms R817G, R842G, R830G.
Identifiers: ClinVar variation 459058 (VCV000459058.9), dbSNP rs776099721, ClinGen allele CA356894871.